The following is an entry in ClinVar:

NM_004341.5(CAD):c.3087G>T (p.Arg1029=)

Gene: CAD (carbamoyl-phosphate synthetase 2, aspartate transcarbamylase, and dihydroorotase; plus strand). Cytogenetic location: 2p23.3.
Variant type: single nucleotide variant.
Coding change: c.3087G>T on transcript NM_004341.5 (MANE Select); coding-DNA position 3087, G replaced by T.
Protein change: p.Arg1029=; no amino-acid change (arginine 1029 retained).
Molecular consequence: synonymous variant.
Genome position (GRCh38, 1-based): chr2:27,233,407, G>T. VCF-style: chr2-27233407-G-T. GRCh37 (hg19) VCF-style: chr2-27456275-G-T.
Other names: c.2898G>T, p.Arg966= (NM_001306079.2).
Identifiers: ClinVar variation 710842 (VCV000710842.44), dbSNP rs143119049, ClinGen allele CA1573195.

ClinVar aggregate classification (germline): Benign/Likely benign. Review status: criteria provided, multiple submitters, no conflicts (2 of 4 stars). 3 submissions from 3 submitters: Benign (1); Likely benign (2). Last evaluated 2026-01-26.

Allele frequency attached by ClinVar (database versions not stated): gnomAD 0.00003; TOPMed 0.00007; ESP Exome Variant Server 0.00015; gnomAD exomes 0.00060; 1000 Genomes Project 30x 0.00172; 1000 Genomes Project 0.00220.
gnomAD v4.1: 937 of 1,614,240 alleles (0.058%); highest among the groups gnomAD compares: South Asian, 0.88%; 15 homozygotes.

Submissions (3):

Labcorp Genetics (formerly Invitae), Labcorp
Classification: Benign. Last evaluated: 2026-01-26. Review status: criteria provided, single submitter. Criteria: Invitae Variant Classification Sherloc (09022015). Collection method: clinical testing. Allele origin: germline.

CeGaT Center for Human Genetics Tuebingen
Classification: Likely benign. Last evaluated: 2025-11-01. Review status: criteria provided, single submitter. Criteria: CeGaT Center For Human Genetics Tuebingen Variant Classification Criteria Version 2. Collection method: clinical testing. Allele origin: germline. Affected: yes. Observed: 4 variant alleles.
Comment: CAD: BP4, BP7, BS2

Blueprint Genetics
Classification: Likely benign. Last evaluated: 2024-10-24. Review status: criteria provided, single submitter. Criteria: ACMG Guidelines, 2015. Collection method: clinical testing. Allele origin: germline.